The following is an entry in ClinVar:

ClinVar aggregate classification (germline): Uncertain significance (1 of 4 stars; one submission).

Conditions:
Spastic paraplegia. Identifiers: MedGen C0037772, HP:0001258.

Allele frequency attached by ClinVar (database versions not stated): gnomAD exomes below 0.00001; gnomAD 0.00001; TOPMed 0.00002.
gnomAD v4.1: 21 of 1,613,562 alleles (0.0013%); highest among the groups gnomAD compares: Non-Finnish European, 0.0017%; no homozygotes.

Submission:

Labcorp Genetics (formerly Invitae), Labcorp
Classification: Uncertain significance for Spastic paraplegia. Last evaluated: 2021-08-31. Review status: criteria provided, single submitter. Criteria: Invitae Variant Classification Sherloc (09022015). Collection method: clinical testing. Allele origin: germline.
Comment: This sequence change replaces lysine with glutamine at codon 50 of the CYP7B1 protein (p.Lys50Gln). The lysine residue is moderately conserved and there is a small physicochemical difference between lysine and glutamine. This variant is not present in population databases (ExAC no frequency). This variant has not been reported in the literature in individuals affected with CYP7B1-related conditions. Algorithms developed to predict the effect of missense changes on protein structure and function are either unavailable or do not agree on the potential impact of this missense change (SIFT: "Tolerated"; PolyPhen-2: "Possibly Damaging"; Align-GVGD: "Class C0"). In summary, the available evidence is currently insufficient to determine the role of this variant in disease. Therefore, it has been classified as a Variant of Uncertain Significance.

NM_004820.5(CYP7B1):c.148A>C (p.Lys50Gln)

Gene: CYP7B1 (cytochrome P450 family 7 subfamily B member 1; minus strand). Cytogenetic location: 8q12.3.
Variant type: single nucleotide variant.
Coding change: c.148A>C on transcript NM_004820.5 (MANE Select); coding-DNA position 148, A replaced by C.
Protein change: p.Lys50Gln; replaces lysine 50 with glutamine.
Molecular consequence: missense variant.
Genome position (GRCh38, 1-based): chr8:64,624,514, T>G on the plus strand (A>C on the coding strand, the complement: CYP7B1 is on the minus strand). VCF-style: chr8-64624514-T-G. GRCh37 (hg19) VCF-style: chr8-65537071-T-G.
Other names: c.148A>C, p.Lys50Gln (NM_001324112.2); short protein forms K50Q.
Identifiers: ClinVar variation 642969 (VCV000642969.6), dbSNP rs981969611, ClinGen allele CA178391960.